The following is an entry in ClinVar:

NM_001354483.2(CSGALNACT1):c.867G>C (p.Glu289Asp)

Gene: CSGALNACT1 (chondroitin sulfate N-acetylgalactosaminyltransferase 1; minus strand). Cytogenetic location: 8p21.3.
Variant type: single nucleotide variant.
Coding change: c.867G>C on transcript NM_001354483.2 (MANE Select); coding-DNA position 867, G replaced by C.
Protein change: p.Glu289Asp; replaces glutamic acid 289 with aspartic acid.
Molecular consequence: missense variant. On other transcripts: non-coding transcript variant (7).
Genome position (GRCh38, 1-based): chr8:19,439,916, C>G on the plus strand (G>C on the coding strand, the complement: CSGALNACT1 is on the minus strand). VCF-style: chr8-19439916-C-G. GRCh37 (hg19) VCF-style: chr8-19297427-C-G.
Other names: c.867G>C, p.Glu289Asp (NM_001130518.2, NM_001354475.2, NM_001354476.2 and 18 more transcripts); short protein forms E289D.
Identifiers: ClinVar variation 1512993 (VCV001512993.7), dbSNP rs373838591, ClinGen allele CA4653989.

ClinVar aggregate classification (germline): Uncertain significance (1 of 4 stars; one submission).

Allele frequency attached by ClinVar (database versions not stated): gnomAD 0.00001; gnomAD exomes 0.00001; ExAC 0.00002; TOPMed 0.00003; ESP Exome Variant Server 0.00008.
gnomAD v4.1: 30 of 1,613,896 alleles (0.0019%); highest among the groups gnomAD compares: South Asian, 0.0055%; 1 homozygote.

Submission:

Labcorp Genetics (formerly Invitae), Labcorp
Classification: Uncertain significance. Last evaluated: 2021-05-10. Review status: criteria provided, single submitter. Criteria: Invitae Variant Classification Sherloc (09022015). Collection method: clinical testing. Allele origin: germline.
Comment: Algorithms developed to predict the effect of missense changes on protein structure and function (SIFT, PolyPhen-2, Align-GVGD) all suggest that this variant is likely to be tolerated, but these predictions have not been confirmed by published functional studies and their clinical significance is uncertain. In summary, the available evidence is currently insufficient to determine the role of this variant in disease. Therefore, it has been classified as a Variant of Uncertain Significance. This variant has not been reported in the literature in individuals with CSGALNACT1-related conditions. This sequence change replaces glutamic acid with aspartic acid at codon 289 of the CSGALNACT1 protein (p.Glu289Asp). The glutamic acid residue is weakly conserved and there is a small physicochemical difference between glutamic acid and aspartic acid. This variant is present in population databases (rs373838591, ExAC 0.003%).